The following is an entry in ClinVar:

ClinVar aggregate classification (germline): Uncertain significance (1 of 4 stars; one submission).

Conditions:
Cardiomyopathy (CMYO). Also called: Cardiomyopathies. Identifiers: Orphanet 167848, MedGen C0878544, MONDO:0004994, HP:0001638. Inheritance: Various modes of inheritance.

Allele frequency attached by ClinVar (database versions not stated): gnomAD exomes below 0.00001 and 0.00001; ExAC 0.00001; ESP Exome Variant Server 0.00008.
gnomAD v4.1: 2 of 1,614,070 alleles (0.00012%); highest among the groups gnomAD compares: Admixed American, 0.0033%; no homozygotes.

Submission:

Color Diagnostics, LLC DBA Color Health
Classification: Uncertain significance for Cardiomyopathy. Last evaluated: 2021-03-23. Review status: criteria provided, single submitter. Criteria: ACMG Guidelines, 2015. Collection method: clinical testing. Allele origin: germline.
Comment: This missense variant replaces aspartic acid with glutamic acid at codon 300 of the DSP protein. Computational prediction is inconclusive regarding the impact of this variant on protein structure and function (internally defined REVEL score threshold 0.5 < inconclusive < 0.7, PMID: 27666373). To our knowledge, functional studies have not been reported for this variant. This variant has not been reported in individuals affected with cardiovascular disorders in the literature. This variant has been identified in 3/251318 chromosomes in the general population by the Genome Aggregation Database (gnomAD). The available evidence is insufficient to determine the role of this variant in disease conclusively. Therefore, this variant is classified as a Variant of Uncertain Significance.

NM_004415.4(DSP):c.900C>A (p.Asp300Glu)

Gene: DSP (desmoplakin; plus strand). Cytogenetic location: 6p24.3.
Variant type: single nucleotide variant.
Coding change: c.900C>A on transcript NM_004415.4 (MANE Select); coding-DNA position 900, C replaced by A.
Protein change: p.Asp300Glu; replaces aspartic acid 300 with glutamic acid.
Molecular consequence: missense variant.
Genome position (GRCh38, 1-based): chr6:7,565,481, C>A. VCF-style: chr6-7565481-C-A. GRCh37 (hg19) VCF-style: chr6-7565714-C-A.
Other names: c.900C>A, p.Asp300Glu (NM_001008844.3, NM_001319034.2); short protein forms D300E.
Identifiers: ClinVar variation 1332358 (VCV001332358.2), dbSNP rs374335702, ClinGen allele CA052992.
Genomic context (GRCh38, chr6:7,565,481, plus strand): 5'-CAGGGAGATCATGTGGATCAATGACTGCGAGGAGGAGGAGCTGCTGTACGACTGGAGCGA[C>A]AAGAACACCAACATCGCTCAGAAACAGGAGGCCTTCTCCGTAAGTTCACCCCACGCGGCT-3'
Protein context (NP_004406.2, residues 290-310): EEEELLYDWS[Asp300Glu]KNTNIAQKQE